The following is an entry in ClinVar:

NM_178335.3(CCDC50):c.1359G>A (p.Ala453=)

Gene: CCDC50 (coiled-coil domain containing 50; plus strand). Cytogenetic location: 3q28.
Variant type: single nucleotide variant.
Coding change: c.1359G>A on transcript NM_178335.3 (MANE Select); coding-DNA position 1359, G replaced by A.
Protein change: p.Ala453=; no amino-acid change (alanine 453 retained).
Molecular consequence: synonymous variant.
Genome position (GRCh38, 1-based): chr3:191,389,532, G>A. VCF-style: chr3-191389532-G-A. GRCh37 (hg19) VCF-style: chr3-191107321-G-A.
Other names: c.831G>A, p.Ala277= (NM_174908.4).
Identifiers: ClinVar variation 682599 (VCV000682599.11), dbSNP rs187841562, ClinGen allele CA2755551.

ClinVar aggregate classification (germline): Likely benign. Review status: criteria provided, multiple submitters, no conflicts (2 of 4 stars). 3 submissions from 3 submitters: Likely benign (3). Last evaluated 2026-01-21.

Conditions:
CCDC50-related disorder. Also called: CCDC50-related condition.

Allele frequency attached by ClinVar (database versions not stated): gnomAD exomes 0.00001 and 0.00005; gnomAD 0.00003; TOPMed 0.00006; ExAC 0.00007; ESP Exome Variant Server 0.00008; 1000 Genomes Project 30x 0.00016; 1000 Genomes Project 0.00020.
gnomAD v4.1: 30 of 1,614,008 alleles (0.0019%); highest among the groups gnomAD compares: Admixed American, 0.013%; no homozygotes.

Submissions (3):

Labcorp Genetics (formerly Invitae), Labcorp
Classification: Likely benign. Last evaluated: 2026-01-21. Review status: criteria provided, single submitter. Criteria: Invitae Variant Classification Sherloc (09022015). Collection method: clinical testing. Allele origin: germline.

PreventionGenetics, part of Exact Sciences
Classification: Likely benign for CCDC50-related condition. Last evaluated: 2025-10-20. Review status: criteria provided, single submitter. Criteria: ACMG Guidelines, 2015. Collection method: clinical testing. Allele origin: germline.
Comment: This variant is classified as likely benign based on ACMG/AMP sequence variant interpretation guidelines (Richards et al. 2015 PMID: 25741868, with internal and published modifications).

GeneDx
Classification: Likely benign. Last evaluated: 2021-05-28. Review status: criteria provided, single submitter. Criteria: GeneDx Variant Classification Process June 2021. Collection method: clinical testing. Allele origin: germline. Affected: yes.